The following is an entry in ClinVar:

ClinVar aggregate classification (germline): Benign/Likely benign. Review status: criteria provided, multiple submitters, no conflicts (2 of 4 stars). 4 submissions from 4 submitters: Benign (1); Likely benign (3). Last evaluated 2026-01-16.

Conditions:
Hereditary cancer-predisposing syndrome. Also called: Tumor predisposition; Hereditary neoplastic syndrome; Neoplastic Syndromes, Hereditary; Hereditary Cancer Syndrome. Identifiers: Orphanet 140162, MedGen C0027672, MeSH D009386, MONDO:0015356.
Von Hippel-Lindau syndrome (VHLS). Also called: von Hippel–Lindau syndrome; Von Hippel-Lindau; VHL syndrome. Identifiers: Orphanet 892, MedGen C0019562, MONDO:0008667, OMIM 193300. Disease mechanism: loss of function.
Chuvash polycythemia. Also called: POLYCYTHEMIA, VHL-DEPENDENT. Identifiers: Orphanet 238557, MedGen C1837915, MONDO:0009892, OMIM 263400.

Allele frequency attached by ClinVar (database versions not stated): gnomAD exomes 0.00001.

Submissions (4):

Labcorp Genetics (formerly Invitae), Labcorp
Classification: Likely benign for Von Hippel-Lindau syndrome; Chuvash polycythemia. Last evaluated: 2026-01-16. Review status: criteria provided, single submitter. Criteria: Invitae Variant Classification Sherloc (09022015). Collection method: clinical testing. Allele origin: germline.

Myriad Genetics, Inc.
Classification: Benign for Von Hippel-Lindau syndrome. Last evaluated: 2025-06-12. Review status: criteria provided, single submitter. Criteria: Myriad Autosomal Dominant, Autosomal Recessive and X-Linked Classification Criteria (2023). Collection method: clinical testing. Allele origin: unknown.
Comment: This variant is considered benign. This variant is a silent/synonymous amino acid change and it is not expected to impact splicing.

All of Us Research Program, National Institutes of Health
Classification: Likely benign for Von Hippel-Lindau syndrome. Last evaluated: 2023-10-06. Review status: criteria provided, single submitter. Criteria: ACMG Guidelines, 2015. Collection method: clinical testing. Allele origin: germline. Inheritance: Autosomal dominant inheritance. Observed: 1 variant allele, 1 heterozygote.
Comment: This study involves interpretation of variants in research participants for the purpose of population health screening. Participant phenotype was not available at the time of variant classification. Additional details can be found in publication PMID: 35346344, PMCID: PMC8962531

Ambry Genetics
Classification: Likely benign for Hereditary cancer-predisposing syndrome. Last evaluated: 2020-04-13. Review status: criteria provided, single submitter. Criteria: Ambry Variant Classification Scheme 2023. Collection method: clinical testing. Allele origin: germline.

NM_000551.4(VHL):c.417T>G (p.Ser139=)

Genes: VHL (von Hippel-Lindau tumor suppressor; plus strand), LOC107303340 (3p25 von Hippel-Lindau tumor suppressor, E3 ubiquitin protein ligase Alu-mediated recombination region; plus strand). Cytogenetic location: 3p25.3.
Variant type: single nucleotide variant.
Coding change: c.417T>G on transcript NM_000551.4 (MANE Select); coding-DNA position 417, T replaced by G.
Protein change: p.Ser139=; no amino-acid change (serine 139 retained).
Molecular consequence: synonymous variant. On other transcripts: intron variant (2).
Genome position (GRCh38, 1-based): chr3:10,146,590, T>G. VCF-style: chr3-10146590-T-G. GRCh37 (hg19) VCF-style: chr3-10188274-T-G.
Other names: c.*18-3197T>G (NM_001354723.2); c.341-3197T>G (NM_198156.3).
Identifiers: ClinVar variation 1636759 (VCV001636759.12), dbSNP rs1406004337, ClinGen allele CA432421869.
Genomic context (GRCh38, chr3:10,146,590, plus strand): 5'-CAGAGATGCAGGGACACACGATGGGCTTCTGGTTAACCAAACTGAATTATTTGTGCCATC[T>G]CTCAATGTTGACGGACAGCCTATTTTTGCCAATATCACACTGCCAGGTACTGACGTTTTA-3'
Protein context (NP_000542.1, residues 129-149): LVNQTELFVP[Ser139=]LNVDGQPIFA